The following is an entry in ClinVar:

ClinVar aggregate classification (germline): Uncertain significance (1 of 4 stars; one submission).

Conditions:
Pitt-Hopkins-like syndrome 2 (PTHSL2). Identifiers: Orphanet 221150, Orphanet 600663, MedGen C3280479, MONDO:0013690, OMIM 614325.

Submission:

Labcorp Genetics (formerly Invitae), Labcorp
Classification: Uncertain significance for Pitt-Hopkins-like syndrome 2. Last evaluated: 2024-04-17. Review status: criteria provided, single submitter. Criteria: Invitae Variant Classification Sherloc (09022015). Collection method: clinical testing. Allele origin: germline.
Comment: This sequence change replaces valine, which is neutral and non-polar, with leucine, which is neutral and non-polar, at codon 236 of the NRXN1 protein (p.Val236Leu). This variant is not present in population databases (gnomAD no frequency). This variant has not been reported in the literature in individuals affected with NRXN1-related conditions. An algorithm developed to predict the effect of missense changes on protein structure and function (PolyPhen-2) suggests that this variant is likely to be tolerated. In summary, the available evidence is currently insufficient to determine the role of this variant in disease. Therefore, it has been classified as a Variant of Uncertain Significance.

NM_001330078.2(NRXN1):c.706G>T (p.Val236Leu)

Gene: NRXN1 (neurexin 1; minus strand). Cytogenetic location: 2p16.3.
Variant type: single nucleotide variant.
Coding change: c.706G>T on transcript NM_001330078.2 (MANE Select); coding-DNA position 706, G replaced by T.
Protein change: p.Val236Leu; replaces valine 236 with leucine.
Molecular consequence: missense variant.
Genome position (GRCh38, 1-based): chr2:51,027,568, C>A on the plus strand (G>T on the coding strand, the complement: NRXN1 is on the minus strand). VCF-style: chr2-51027568-C-A. GRCh37 (hg19) VCF-style: chr2-51254706-C-A.
Other names: c.706G>T, p.Val236Leu (NM_001135659.3, NM_001330077.2, NM_001330079.2 and 15 more transcripts); short protein forms V236L.
Identifiers: ClinVar variation 3650218 (VCV003650218.2).
Genomic context (GRCh38, chr2:51,027,568, plus strand): 5'-TGCAGTCCTTGCCGCGGAAGCCGGTTCGCGAGCAGTCGCACACGGCCTGGTCGTCCACCA[C>A]GGAGCACACACCTCCGTTGAGGCACACCCCGCCCTCGCCCTCCTCGCCCGCCTCGCACGG-3'
Protein context (NP_001317007.1, residues 226-246): GVCLNGGVCS[Val236Leu]VDDQAVCDCS